The following is an entry in ClinVar:

NM_015072.5(TTLL5):c.2933G>A (p.Ser978Asn)

Gene: TTLL5 (tubulin tyrosine ligase like 5; plus strand). Cytogenetic location: 14q24.3.
Variant type: single nucleotide variant.
Coding change: c.2933G>A on transcript NM_015072.5 (MANE Select); coding-DNA position 2933, G replaced by A.
Protein change: p.Ser978Asn; replaces serine 978 with asparagine.
Molecular consequence: missense variant.
Genome position (GRCh38, 1-based): chr14:75,783,477, G>A. VCF-style: chr14-75783477-G-A. GRCh37 (hg19) VCF-style: chr14-76249820-G-A.
Other names: short protein forms S978N.
Identifiers: ClinVar variation 1911693 (VCV001911693.5), dbSNP rs2503310098, ClinGen allele CA390472666.
Genomic context (GRCh38, chr14:75,783,477, plus strand): 5'-CTGGCCTGCCACGCTGTCGATCAGGAAGTCACACCATTGGTCCCTTTTCTTCCTTCCAAA[G>A]TGCTGCACACATCTATAGCCAGAAACTGTCTCGTCCCTCTTCAGCAAAGGCAGGTGAGTG-3'
Protein context (NP_055887.3, residues 968-988): HTIGPFSSFQ[Ser978Asn]AAHIYSQKLS

ClinVar aggregate classification (germline): Uncertain significance (1 of 4 stars; one submission).

Allele frequency attached by ClinVar (database versions not stated): gnomAD exomes below 0.00001.
gnomAD v4.1: 5 of 1,614,114 alleles (0.00031%); highest among the groups gnomAD compares: Non-Finnish European, 0.00042%; no homozygotes.

Submission:

Labcorp Genetics (formerly Invitae), Labcorp
Classification: Uncertain significance. Last evaluated: 2022-08-08. Review status: criteria provided, single submitter. Criteria: Invitae Variant Classification Sherloc (09022015). Collection method: clinical testing. Allele origin: germline.
Comment: This sequence change replaces serine, which is neutral and polar, with asparagine, which is neutral and polar, at codon 978 of the TTLL5 protein (p.Ser978Asn). This variant is not present in population databases (gnomAD no frequency). In summary, the available evidence is currently insufficient to determine the role of this variant in disease. Therefore, it has been classified as a Variant of Uncertain Significance. Algorithms developed to predict the effect of missense changes on protein structure and function (SIFT, PolyPhen-2, Align-GVGD) all suggest that this variant is likely to be tolerated. This variant has not been reported in the literature in individuals affected with TTLL5-related conditions.